The following is an entry in ClinVar:

ClinVar aggregate classification (germline): Pathogenic/Likely pathogenic. Review status: criteria provided, multiple submitters, no conflicts (2 of 4 stars). 5 submissions from 5 submitters: Pathogenic (1); Likely pathogenic (4). Last evaluated 2025-08-13.

Conditions:
Cerebrooculofacioskeletal syndrome 2 (COFS2). Identifiers: MedGen C1853102, MONDO:0012553, OMIM 610756.
ERCC2-related disorder. Also called: ERCC2-related disorders; ERCC2-related conditions; ERCC2-related condition. Identifiers: MedGen CN239291.
Trichothiodystrophy 1, photosensitive (TTD1). Also called: TAY SYNDROME; TRICHOTHIODYSTROPHY WITH CONGENITAL ICHTHYOSIS; PIBIDS SYNDROME. Identifiers: Orphanet 33364, MedGen C1866504, MONDO:0011125, OMIM 601675.
Xeroderma pigmentosum, group D (XPD). Also called: XERODERMA PIGMENTOSUM, COMPLEMENTATION GROUP D; XERODERMA PIGMENTOSUM IV; XP, GROUP D; XP, GROUP H; ERCC2-Related Xeroderma Pigmentosum. Identifiers: MedGen C0268138, MONDO:0010212, OMIM 278730.

Allele frequency attached by ClinVar (database versions not stated): ExAC 0.00001; gnomAD 0.00001; gnomAD exomes 0.00001; TOPMed 0.00002.
gnomAD v4.1: 14 of 1,613,700 alleles (0.00087%); highest among the groups gnomAD compares: Non-Finnish European, 0.000085%; no homozygotes.

Submissions (5):

Myriad Genetics, Inc.
Classification: Likely pathogenic for ERCC2-related disorder. Last evaluated: 2025-08-13. Review status: criteria provided, single submitter. Criteria: Myriad Autosomal Dominant, Autosomal Recessive and X-Linked Classification Criteria (2023). Collection method: clinical testing. Allele origin: unknown.
Comment: NM_000400.3(ERCC2):c.1759-2A>G is a variant in a canonical splice site classified as likely pathogenic in the context of ERCC2-related disorders. c.1759-2A>G has not been observed in cases with relevant disease. Relevant functional assessments of this variant are not available in the literature. c.1759-2A>G has been observed in referenced population frequency databases. In summary, NM_000400.3(ERCC2):c.1759-2A>G is a variant in a canonical splice site in a gene where loss of function is a known mechanism of disease and is predicted to disrupt protein function. Please note: this variant was assessed in the context of healthy population screening.

Fulgent Genetics
Classification: Likely pathogenic for Xeroderma pigmentosum, group D; Trichothiodystrophy 1, photosensitive; Cerebrooculofacioskeletal syndrome 2. Last evaluated: 2024-04-24. Review status: criteria provided, single submitter. Criteria: ACMG Guidelines, 2015. Collection method: clinical testing. Allele origin: germline.

Baylor Genetics
Classification: Likely pathogenic for Cerebrooculofacioskeletal syndrome 2. Last evaluated: 2024-03-19. Review status: criteria provided, single submitter. Criteria: ACMG Guidelines, 2015. Collection method: clinical testing. Allele origin: unknown.

Labcorp Genetics (formerly Invitae), Labcorp
Classification: Likely pathogenic. Last evaluated: 2024-01-06. Review status: criteria provided, single submitter. Criteria: Invitae Variant Classification Sherloc (09022015). Collection method: clinical testing. Allele origin: germline.
Comment: This sequence change affects an acceptor splice site in intron 18 of the ERCC2 gene. It is expected to disrupt RNA splicing. Variants that disrupt the donor or acceptor splice site typically lead to a loss of protein function (PMID: 16199547), and loss-of-function variants in ERCC2 are known to be pathogenic (PMID: 9238033, 11335038, 19085937, 19934020). This variant is present in population databases (rs774936846, gnomAD 0.02%). This variant has not been reported in the literature in individuals affected with ERCC2-related conditions. ClinVar contains an entry for this variant (Variation ID: 1319438). Algorithms developed to predict the effect of sequence changes on RNA splicing suggest that this variant may disrupt the consensus splice site. In summary, the currently available evidence indicates that the variant is pathogenic, but additional data are needed to prove that conclusively. Therefore, this variant has been classified as Likely Pathogenic.

Institute for Clinical Genetics, University Hospital TU Dresden, University Hospital TU Dresden
Classification: Pathogenic. Last evaluated: 2021-11-03. Review status: criteria provided, single submitter. Criteria: ACMG Guidelines, 2015. Collection method: clinical testing. Allele origin: germline.

Literature cited by the submitters: PubMed 16199547 (cited by Labcorp Genetics (formerly Invitae), Labcorp); PubMed 9238033 (cited by Labcorp Genetics (formerly Invitae), Labcorp); PubMed 11335038 (cited by Labcorp Genetics (formerly Invitae), Labcorp); PubMed 19085937 (cited by Labcorp Genetics (formerly Invitae), Labcorp); PubMed 19934020 (cited by Labcorp Genetics (formerly Invitae), Labcorp).

NM_000400.4(ERCC2):c.1759-2A>G

Gene: ERCC2 (ERCC excision repair 2, TFIIH core complex helicase subunit; minus strand). Cytogenetic location: 19q13.32.
Variant type: single nucleotide variant.
Coding change: c.1759-2A>G on transcript NM_000400.4 (MANE Select); the canonical splice acceptor site of the intron before coding-DNA position 1759, A replaced by G.
Molecular consequence: splice acceptor variant.
Genome position (GRCh38, 1-based): chr19:45,353,157, T>C on the plus strand (A>G on the coding strand, the complement: ERCC2 is on the minus strand). VCF-style: chr19-45353157-T-C. GRCh37 (hg19) VCF-style: chr19-45856415-T-C.
Identifiers: ClinVar variation 1319438 (VCV001319438.10), dbSNP rs774936846, ClinGen allele CA9513089.